The following is an entry in ClinVar:

NM_201253.3(CRB1):c.4205T>C (p.Met1402Thr)

Gene: CRB1 (crumbs cell polarity complex component 1; plus strand). Cytogenetic location: 1q31.3.
Variant type: single nucleotide variant.
Coding change: c.4205T>C on transcript NM_201253.3 (MANE Select); coding-DNA position 4205, T replaced by C.
Protein change: p.Met1402Thr; replaces methionine 1402 with threonine.
Molecular consequence: missense variant. On other transcripts: non-coding transcript variant (2).
Genome position (GRCh38, 1-based): chr1:197,477,863, T>C. VCF-style: chr1-197477863-T-C. GRCh37 (hg19) VCF-style: chr1-197446993-T-C.
Other names: c.2597T>C, p.Met866Thr (NM_001257966.2); c.3869T>C, p.Met1290Thr (NM_001193640.2); c.4133T>C, p.Met1378Thr (NM_001257965.2); short protein forms M1290T, M1378T, M1402T, M866T.
Identifiers: ClinVar variation 875506 (VCV000875506.12), dbSNP rs767920858, ClinGen allele CA1312573.

ClinVar aggregate classification (germline): Uncertain significance. Review status: criteria provided, multiple submitters, no conflicts (2 of 4 stars). 7 submissions from 3 submitters: Uncertain significance (7). Last evaluated 2023-04-11.

Conditions:
Pigmented paravenous retinochoroidal atrophy. Identifiers: Orphanet 251295, MedGen C1868310, MONDO:0008246, OMIM 172870.
Leber congenital amaurosis 8 (LCA8). Identifiers: Orphanet 65, MedGen C3151202, MONDO:0013453, OMIM 613835.
Retinitis pigmentosa 12 (RP12). Also called: RP WITH OR WITHOUT PRESERVED PARAARTERIOLE RETINAL PIGMENT EPITHELIUM; RETINITIS PIGMENTOSA WITH OR WITHOUT PARAARTERIOLAR PRESERVATION OF RETINAL PIGMENT EPITHELIUM; RP WITH OR WITHOUT PPRPE. Identifiers: Orphanet 791, MedGen C1838647, MONDO:0010818, OMIM 600105.
Retinitis pigmentosa (RP). Identifiers: Orphanet 791, MedGen C0035334, MeSH D012174, MONDO:0019200, OMIM 268000. Inheritance: Autosomal dominant, autosomal recessive and X linked inheritance.

Allele frequency attached by ClinVar (database versions not stated): gnomAD exomes below 0.00001; ExAC 0.00001.

Submissions (7):

Genome-Nilou Lab
Classification: Uncertain significance for Leber congenital amaurosis 8. Last evaluated: 2023-04-11. Review status: criteria provided, single submitter. Criteria: ACMG Guidelines, 2015. Collection method: clinical testing. Allele origin: germline. Affected: no.

Genome-Nilou Lab
Classification: Uncertain significance for Pigmented paravenous retinochoroidal atrophy. Last evaluated: 2023-04-11. Review status: criteria provided, single submitter. Criteria: ACMG Guidelines, 2015. Collection method: clinical testing. Allele origin: germline. Affected: no.

Genome-Nilou Lab
Classification: Uncertain significance for Retinitis pigmentosa 12. Last evaluated: 2023-04-11. Review status: criteria provided, single submitter. Criteria: ACMG Guidelines, 2015. Collection method: clinical testing. Allele origin: germline. Affected: no.

Labcorp Genetics (formerly Invitae), Labcorp
Classification: Uncertain significance for Leber congenital amaurosis 8; Retinitis pigmentosa 12. Last evaluated: 2022-07-06. Review status: criteria provided, single submitter. Criteria: Invitae Variant Classification Sherloc (09022015). Collection method: clinical testing. Allele origin: germline.
Comment: In summary, the available evidence is currently insufficient to determine the role of this variant in disease. Therefore, it has been classified as a Variant of Uncertain Significance. Advanced modeling of protein sequence and biophysical properties (such as structural, functional, and spatial information, amino acid conservation, physicochemical variation, residue mobility, and thermodynamic stability) performed at Invitae indicates that this missense variant is not expected to disrupt CRB1 protein function. ClinVar contains an entry for this variant (Variation ID: 875506). This variant has not been reported in the literature in individuals affected with CRB1-related conditions. This variant is present in population databases (rs767920858, gnomAD 0.0009%). This sequence change replaces methionine, which is neutral and non-polar, with threonine, which is neutral and polar, at codon 1402 of the CRB1 protein (p.Met1402Thr).

Illumina Laboratory Services, Illumina
Classification: Uncertain significance for Retinitis pigmentosa. Last evaluated: 2017-04-28. Review status: criteria provided, single submitter. Criteria: ICSL Variant Classification Criteria 13 December 2019. Collection method: clinical testing. Allele origin: germline.

Illumina Laboratory Services, Illumina
Classification: Uncertain significance for Pigmented paravenous retinochoroidal atrophy. Last evaluated: 2017-04-28. Review status: criteria provided, single submitter. Criteria: ICSL Variant Classification Criteria 13 December 2019. Collection method: clinical testing. Allele origin: germline.

Illumina Laboratory Services, Illumina
Classification: Uncertain significance for Leber congenital amaurosis 8. Last evaluated: 2017-04-28. Review status: criteria provided, single submitter. Criteria: ICSL Variant Classification Criteria 13 December 2019. Collection method: clinical testing. Allele origin: germline.